The following is an entry in ClinVar:

NM_002432.3(MNDA):c.352G>T (p.Ala118Ser)

Gene: MNDA (myeloid cell nuclear differentiation antigen; plus strand). Cytogenetic location: 1q23.1.
Variant type: single nucleotide variant.
Coding change: c.352G>T on transcript NM_002432.3 (MANE Select); coding-DNA position 352, G replaced by T.
Protein change: p.Ala118Ser; replaces alanine 118 with serine.
Molecular consequence: missense variant.
Genome position (GRCh38, 1-based): chr1:158,843,365, G>T. VCF-style: chr1-158843365-G-T. GRCh37 (hg19) VCF-style: chr1-158813155-G-T.
Other names: short protein forms A118S.
Identifiers: ClinVar variation 2561580 (VCV002561580.2), dbSNP rs559502950, ClinGen allele CA343038697.
Genomic context (GRCh38, chr1:158,843,365, plus strand): 5'-AAAGCTCCAGTGAAAAAAATAAACCAGGAAGAAGTGGGTCTTGCGGCACCTGCACCCACC[G>T]CAAGAAACAAACTGACATCGGAAGCAAGAGGGAGGATTCCTGTAGCTCAGGTAAGCTTGA-3'
Protein context (NP_002423.1, residues 108-128): EVGLAAPAPT[Ala118Ser]RNKLTSEARG

ClinVar aggregate classification (germline): Uncertain significance (1 of 4 stars; one submission).

gnomAD v4.1: 5 of 1,611,932 alleles (0.00031%); highest among the groups gnomAD compares: Non-Finnish European, 0.00042%; no homozygotes.

Submission:

Ambry Genetics
Classification: Uncertain significance. Last evaluated: 2023-06-08. Review status: criteria provided, single submitter. Criteria: Ambry Variant Classification Scheme 2023. Collection method: clinical testing. Allele origin: germline.
Comment: The p.A118S variant (also known as c.352G>T), located in coding exon 2 of the MNDA gene, results from a G to T substitution at nucleotide position 352. The alanine at codon 118 is replaced by serine, an amino acid with similar properties. This amino acid position is conserved. In addition, this alteration is predicted to be tolerated by in silico analysis. Since supporting evidence is limited at this time, the clinical significance of this alteration remains unclear.